The following is an entry in ClinVar:

ClinVar aggregate classification (germline): Benign/Likely benign. Review status: criteria provided, multiple submitters, no conflicts (2 of 4 stars). 5 submissions from 4 submitters: Benign (1); Likely benign (4). Last evaluated 2026-01-26.

Conditions:
Perry syndrome. Also called: PARKINSONISM WITH ALVEOLAR HYPOVENTILATION AND MENTAL DEPRESSION. Identifiers: Orphanet 178509, MedGen C1868594, MONDO:0008201, OMIM 168605.
Amyotrophic lateral sclerosis type 1 (ALS1). Also called: AMYOTROPHIC LATERAL SCLEROSIS 1, FAMILIAL. Identifiers: Orphanet 803, MedGen C1862939, MONDO:0007103, OMIM 105400.
Neuronopathy, distal hereditary motor, type 7B. Also called: HMN VIIB; LOWER MOTOR NEURON DISEASE, DYNACTIN TYPE; Distal Hereditary Motor Neuronopathy Type 7B (dHMN7B); NEURONOPATHY, DISTAL HEREDITARY MOTOR, AUTOSOMAL DOMINANT 14; NEURONOPATHY, DISTAL HEREDITARY MOTOR, HARDING TYPE VIIB; NEUROPATHY, DISTAL HEREDITARY MOTOR, HARDING TYPE VIIB. Identifiers: Orphanet 139589, MedGen C1843315, MONDO:0011879, OMIM 607641.

Allele frequency attached by ClinVar (database versions not stated): ESP Exome Variant Server 0.00008; gnomAD exomes 0.00010 and 0.00013; ExAC 0.00012; gnomAD 0.00013; TOPMed 0.00015; 1000 Genomes Project 30x 0.00016; 1000 Genomes Project 0.00020.
gnomAD v4.1: 205 of 1,614,072 alleles (0.013%); highest among the groups gnomAD compares: Non-Finnish European, 0.016%; no homozygotes.

Submissions (5):

Labcorp Genetics (formerly Invitae), Labcorp
Classification: Likely benign for Amyotrophic lateral sclerosis type 1; Neuronopathy, distal hereditary motor, type 7B; Perry syndrome. Last evaluated: 2026-01-26. Review status: criteria provided, single submitter. Criteria: Invitae Variant Classification Sherloc (09022015). Collection method: clinical testing. Allele origin: germline.

ARUP Laboratories, Molecular Genetics and Genomics, ARUP Laboratories
Classification: Likely benign. Last evaluated: 2024-09-03. Review status: criteria provided, single submitter. Criteria: ARUP Molecular Germline Variant Investigation Process 2024. Collection method: clinical testing. Allele origin: germline.

Fulgent Genetics
Classification: Likely benign for Amyotrophic lateral sclerosis type 1; Perry syndrome; Neuronopathy, distal hereditary motor, type 7B. Last evaluated: 2021-08-23. Review status: criteria provided, single submitter. Criteria: ACMG Guidelines, 2015. Collection method: clinical testing. Allele origin: unknown.

Illumina Laboratory Services, Illumina
Classification: Likely benign for Neuronopathy, distal hereditary motor, type 7B. Last evaluated: 2018-01-13. Review status: criteria provided, single submitter. Criteria: ICSL Variant Classification Criteria 13 December 2019. Collection method: clinical testing. Allele origin: germline.
Comment: This variant was observed in the ICSL laboratory as part of a predisposition screen in an ostensibly healthy population. It had not been previously curated by ICSL or reported in the Human Gene Mutation Database (HGMD: prior to June 1st, 2018), and was therefore a candidate for classification through an automated scoring system. Utilizing variant allele frequency, disease prevalence and penetrance estimates, and inheritance mode, an automated score was calculated to assess if this variant is too frequent to cause the disease. Based on the score and internal cut-off values, a variant classified as likely benign is not then subjected to further curation. The score for this variant resulted in a classification of likely benign for this disease.

Illumina Laboratory Services, Illumina
Classification: Benign for Perry syndrome. Last evaluated: 2018-01-13. Review status: criteria provided, single submitter. Criteria: ICSL Variant Classification Criteria 13 December 2019. Collection method: clinical testing. Allele origin: germline.
Comment: This variant was observed in the ICSL laboratory as part of a predisposition screen in an ostensibly healthy population. It had not been previously curated by ICSL or reported in the Human Gene Mutation Database (HGMD: prior to June 1st, 2018), and was therefore a candidate for classification through an automated scoring system. Utilizing variant allele frequency, disease prevalence and penetrance estimates, and inheritance mode, an automated score was calculated to assess if this variant is too frequent to cause the disease. Based on the score and internal cut-off values, a variant classified as benign is not then subjected to further curation. The score for this variant resulted in a classification of benign for this disease.

NM_004082.5(DCTN1):c.3345+13C>T

Gene: DCTN1 (dynactin subunit 1; minus strand). Cytogenetic location: 2p13.1.
Variant type: single nucleotide variant.
Coding change: c.3345+13C>T on transcript NM_004082.5 (MANE Select); 13 bases into the intron after coding-DNA position 3345, C replaced by T.
Molecular consequence: intron variant.
Genome position (GRCh38, 1-based): chr2:74,363,281, G>A on the plus strand (C>T on the coding strand, the complement: DCTN1 is on the minus strand). VCF-style: chr2-74363281-G-A. GRCh37 (hg19) VCF-style: chr2-74590408-G-A.
Other names: c.3219+13C>T (NM_001190836.2); c.3276+13C>T (NM_001378992.1); c.3294+13C>T (NM_001378991.1); c.3270+13C>T (NM_001135040.3); c.3324+13C>T (NM_001190837.2); c.2928+13C>T (NM_001135041.3); c.2943+13C>T (NM_023019.4).
Identifiers: ClinVar variation 897360 (VCV000897360.13), dbSNP rs376707439, ClinGen allele CA1721515.